The following is an entry in ClinVar:

ClinVar aggregate classification (germline): Likely benign (1 of 4 stars; one submission).

Conditions:
BPTF-related disorder. Also called: BPTF-related condition.

Submission:

PreventionGenetics, part of Exact Sciences
Classification: Likely benign for BPTF-related condition. Last evaluated: 2026-05-28. Review status: criteria provided, single submitter. Criteria: ACMG Guidelines, 2015. Collection method: clinical testing. Allele origin: germline.
Comment: This variant is classified as likely benign based on ACMG/AMP sequence variant interpretation guidelines (Richards et al. 2015 PMID: 25741868, with internal and published modifications).

NM_182641.4(BPTF):c.2337T>C (p.Thr779=)

Gene: BPTF (bromodomain PHD finger transcription factor; plus strand). Cytogenetic location: 17q24.2.
Variant type: single nucleotide variant.
Coding change: c.2337T>C on transcript NM_182641.4 (MANE Select); coding-DNA position 2337, T replaced by C.
Protein change: p.Thr779=; no amino-acid change (threonine 779 retained).
Molecular consequence: synonymous variant.
Genome position (GRCh38, 1-based): chr17:67,893,651, T>C. VCF-style: chr17-67893651-T-C. GRCh37 (hg19) VCF-style: chr17-65889767-T-C.
Other names: c.2526T>C, p.Thr842= (NM_001439139.1, NM_001439141.1, NM_001439143.1 and 1 more transcripts); c.2715T>C, p.Thr905= (NM_001439140.1, NM_001439142.1, NM_004459.7).
Identifiers: ClinVar variation 4980174 (VCV004980174.1).